The following is an entry in ClinVar:

NC_000021.8:g.(?_36231761)_(36231885_?)del

Variant type: Deletion.
Identifiers: ClinVar variation 2665100 (VCV002665100.3).

ClinVar aggregate classification (germline): Pathogenic (3 of 4 stars; one submission).

Conditions:
Hereditary thrombocytopenia and hematologic cancer predisposition syndrome. Identifiers: Orphanet 71290, MedGen CN281654, MONDO:0011071.

Submission:

ClinGen Myeloid Malignancy Variant Curation Expert Panel
Classification: Pathogenic for Hereditary thrombocytopenia and hematologic cancer predisposition syndrome. Last evaluated: 2024-03-26. Review status: reviewed by expert panel. Criteria: ClinGen MyeloMalig ACMG Specifications v2. Collection method: curation. Allele origin: germline. Inheritance: Autosomal dominant inheritance.
Comment: This variant is a frameshift variant resulting in exon deletion (PVS1). This variant is completely absent from population databases with at least 20x coverage for RUNX1 (PM2_supporting). This variant is a nonsense/frameshift variants that is downstream of c.98 (PM5_Supporting). In summary, this variant meets criteria to be classified as likely pathogenic. ACMG/AMP criteria applied, as specified by the Myeloid Malignancy Variant Curation Expert Panel for RUNX1: PVS1, PM2_supporting, PM5_supporting.